The following is an entry in ClinVar:

NM_002230.4(JUP):c.226A>G (p.Met76Val)

Gene: JUP (junction plakoglobin; minus strand). Cytogenetic location: 17q21.2.
Variant type: single nucleotide variant.
Coding change: c.226A>G on transcript NM_002230.4 (MANE Select); coding-DNA position 226, A replaced by G.
Protein change: p.Met76Val; replaces methionine 76 with valine.
Molecular consequence: missense variant.
Genome position (GRCh38, 1-based): chr17:41,769,660, T>C on the plus strand (A>G on the coding strand, the complement: JUP is on the minus strand). VCF-style: chr17-41769660-T-C. GRCh37 (hg19) VCF-style: chr17-39925912-T-C.
Other names: c.226A>G, p.Met76Val (NM_001352773.2, NM_001352774.2, NM_001352775.2 and 3 more transcripts); short protein forms M76V.
Identifiers: ClinVar variation 945673 (VCV000945673.9), dbSNP rs782730235, ClinGen allele CA399506051.

ClinVar aggregate classification (germline): Uncertain significance (1 of 4 stars; one submission).

Conditions:
Arrhythmogenic right ventricular dysplasia 12. Also called: ARRHYTHMOGENIC RIGHT VENTRICULAR DYSPLASIA, FAMILIAL, 12. Identifiers: MedGen C1969081, MONDO:0012684, OMIM 611528.
Naxos disease (NXD). Also called: KERATOSIS PALMOPLANTARIS WITH ARRHYTHMOGENIC CARDIOMYOPATHY; MAL DE NAXOS; PALMOPLANTAR KERATODERMA WITH ARRHYTHMOGENIC RIGHT VENTRICULAR CARDIOMYOPATHY AND WOOLLY HAIR; CARDIOMYOPATHY, ARRHYTHMOGENIC RIGHT VENTRICULAR, WITH SKIN, HAIR, AND NAIL ABNORMALITIES; WOOLLY HAIR, PALMOPLANTAR KERATODERMA, AND CARDIAC ABNORMALITIES. Identifiers: Orphanet 34217, MedGen C1832600, MONDO:0011017, OMIM 601214.

gnomAD v4.1: 37 of 1,608,942 alleles (0.0023%); highest among the groups gnomAD compares: Non-Finnish European, 0.0031%; no homozygotes.

Submission:

Labcorp Genetics (formerly Invitae), Labcorp
Classification: Uncertain significance for Arrhythmogenic right ventricular dysplasia 12; Naxos disease. Last evaluated: 2024-02-23. Review status: criteria provided, single submitter. Criteria: Invitae Variant Classification Sherloc (09022015). Collection method: clinical testing. Allele origin: germline.
Comment: This sequence change replaces methionine, which is neutral and non-polar, with valine, which is neutral and non-polar, at codon 76 of the JUP protein (p.Met76Val). This variant is present in population databases (no rsID available, gnomAD 0.001%). This variant has not been reported in the literature in individuals affected with JUP-related conditions. ClinVar contains an entry for this variant (Variation ID: 945673). An algorithm developed to predict the effect of missense changes on protein structure and function (PolyPhen-2) suggests that this variant is likely to be tolerated. In summary, the available evidence is currently insufficient to determine the role of this variant in disease. Therefore, it has been classified as a Variant of Uncertain Significance.